The following is an entry in ClinVar:

ClinVar aggregate classification (germline): Uncertain significance (1 of 4 stars; one submission).

Conditions:
Idiopathic Pulmonary Fibrosis. Also called: Idiopathic fibrosing alveolitis, chronic form; idiopathic fibrosing alveolitis. Identifiers: Orphanet 2032, MedGen C1800706, MeSH D054990, MONDO:0800504.
Dyskeratosis congenita, autosomal dominant 2. Identifiers: MedGen C3151443, MONDO:0013521, OMIM 613989.

Submission:

Labcorp Genetics (formerly Invitae), Labcorp
Classification: Uncertain significance for Dyskeratosis congenita, autosomal dominant 2; Idiopathic Pulmonary Fibrosis. Last evaluated: 2025-07-21. Review status: criteria provided, single submitter. Criteria: Invitae Variant Classification Sherloc (09022015). Collection method: clinical testing. Allele origin: germline.
Comment: This sequence change replaces proline, which is neutral and non-polar, with serine, which is neutral and polar, at codon 235 of the TERT protein (p.Pro235Ser). This variant is not present in population databases (gnomAD no frequency). This variant has not been reported in the literature in individuals affected with TERT-related conditions. Invitae Evidence Modeling of protein sequence and biophysical properties (such as structural, functional, and spatial information, amino acid conservation, physicochemical variation, residue mobility, and thermodynamic stability) indicates that this missense variant is not expected to disrupt TERT protein function with a negative predictive value of 95%. In summary, the available evidence is currently insufficient to determine the role of this variant in disease. Therefore, it has been classified as a Variant of Uncertain Significance.

NM_198253.3(TERT):c.703C>T (p.Pro235Ser)

Gene: TERT (telomerase reverse transcriptase; minus strand). Cytogenetic location: 5p15.33.
Variant type: single nucleotide variant.
Coding change: c.703C>T on transcript NM_198253.3 (MANE Select); coding-DNA position 703, C replaced by T.
Protein change: p.Pro235Ser; replaces proline 235 with serine.
Molecular consequence: missense variant. On other transcripts: non-coding transcript variant (2).
Genome position (GRCh38, 1-based): chr5:1,294,183, G>A on the plus strand (C>T on the coding strand, the complement: TERT is on the minus strand). VCF-style: chr5-1294183-G-A. GRCh37 (hg19) VCF-style: chr5-1294298-G-A.
Other names: c.703C>T, p.Pro235Ser (NM_001193376.3); short protein forms P235S.
Identifiers: ClinVar variation 4789827 (VCV004789827.1).